The following is an entry in ClinVar:

NM_170707.4(LMNA):c.595A>C (p.Thr199Pro)

Gene: LMNA (lamin A/C; plus strand). Cytogenetic location: 1q22.
Variant type: single nucleotide variant.
Coding change: c.595A>C on transcript NM_170707.4 (MANE Select); coding-DNA position 595, A replaced by C.
Protein change: p.Thr199Pro; replaces threonine 199 with proline.
Molecular consequence: missense variant. On other transcripts: 5 prime UTR variant (4).
Genome position (GRCh38, 1-based): chr1:156,134,484, A>C. VCF-style: chr1-156134484-A-C. GRCh37 (hg19) VCF-style: chr1-156104275-A-C.
Other names: c.259A>C, p.Thr87Pro (NM_001257374.3, NM_001406989.1, NM_001406998.1); c.352A>C, p.Thr118Pro (NM_001282624.2, NM_001406986.1, NM_001406987.1); c.595A>C, p.Thr199Pro (NM_001282625.2, NM_001282626.2, NM_001406983.1 and 6 more transcripts); c.298A>C, p.Thr100Pro (NM_001406988.1); c.37A>C, p.Thr13Pro (NM_001406990.1, NM_001406993.1, NM_001406995.1 and 4 more transcripts); c.-70A>C (NM_001406994.1, NM_001406999.1, NM_001407000.1 and 1 more transcripts); short protein forms T100P, T118P, T13P, T199P, T87P.
Identifiers: ClinVar variation 3896899 (VCV003896899.1).

ClinVar aggregate classification (germline): Uncertain significance (1 of 4 stars; one submission).

Conditions:
Mandibuloacral dysplasia with type A lipodystrophy (MADA). Also called: CRANIOMANDIBULAR DERMATODYSOSTOSIS; LIPODYSTROPHY, TYPE A, ASSOCIATED WITH MANDIBULOACRAL DYSPLASIA. Identifiers: Orphanet 2457, Orphanet 90153, MedGen C5399785, MONDO:0009557, OMIM 248370.
Congenital muscular dystrophy due to LMNA mutation. Also called: Lamin A-related Congenital Muscular Dystrophy; Congenital muscular dystrophy, LMNA-related. Identifiers: Orphanet 157973, MedGen C2750785, MONDO:0013178, OMIM 613205.
Emery-Dreifuss muscular dystrophy 3, autosomal recessive (EDMD3). Identifiers: Orphanet 261, Orphanet 98855, MedGen C2750035, MONDO:0014676, OMIM 616516.
Emery-Dreifuss muscular dystrophy 2, autosomal dominant (EDMD2). Also called: MUSCULAR DYSTROPHY WITH EARLY CONTRACTURES AND CARDIOMYOPATHY, AUTOSOMAL DOMINANT; SCAPULOILIOPERONEAL ATROPHY WITH CARDIOPATHY; Limb-girdle muscular dystrophy, type 1B; Muscular dystrophy, proximal, type 1B; Benign scapuloperoneal muscular dystrophy with cardiomyopathy; LMNA-Related Emery-Dreifuss Muscular Dystrophy, Autosomal. Identifiers: Orphanet 261, Orphanet 264, MedGen C0410190, MONDO:0021569, OMIM 181350.
Heart-hand syndrome, Slovenian type. Identifiers: Orphanet 168796, MedGen C1857829, MONDO:0012417, OMIM 610140.

Submission:

Kariminejad - Najmabadi Pathology & Genetics Center
Classification: Uncertain significance for Emery-Dreifuss muscular dystrophy 2, autosomal dominant; Emery-Dreifuss muscular dystrophy 3, autosomal recessive; Heart-hand syndrome, Slovenian type; Mandibuloacral dysplasia with type A lipodystrophy; Congenital muscular dystrophy due to LMNA mutation. Last evaluated: 2022-12-12. Review status: criteria provided, single submitter. Criteria: ACMG Guidelines, 2015. Collection method: clinical testing. Allele origin: germline. Inheritance: Autosomal dominant inheritance. Affected: yes.
Comment: PP3-PM2